The following is an entry in ClinVar:

NM_000359.3(TGM1):c.1927+1G>A

Gene: TGM1 (transglutaminase 1; minus strand). Cytogenetic location: 14q12.
Variant type: single nucleotide variant.
Coding change: c.1927+1G>A on transcript NM_000359.3 (MANE Select); the canonical splice donor site of the intron after coding-DNA position 1927, G replaced by A.
Molecular consequence: splice donor variant.
Genome position (GRCh38, 1-based): chr14:24,254,971, C>T on the plus strand (G>A on the coding strand, the complement: TGM1 is on the minus strand). VCF-style: chr14-24254971-C-T. GRCh37 (hg19) VCF-style: chr14-24724177-C-T.
Identifiers: ClinVar variation 2679193 (VCV002679193.2), dbSNP rs2040736026, ClinGen allele CA389248836.

ClinVar aggregate classification (germline): Pathogenic/Likely pathogenic. Review status: criteria provided, multiple submitters, no conflicts (2 of 4 stars). 2 submissions from 2 submitters: Pathogenic (1); Likely pathogenic (1). Last evaluated 2026-05-27.

Conditions:
Autosomal recessive congenital ichthyosis 1 (LI1). Also called: COLLODION FETUS; DESQUAMATION OF NEWBORN; ICHTHYOSIS, CONGENITAL, AUTOSOMAL RECESSIVE 1, WITH BATHING SUIT DISTRIBUTION; ICHTHYOSIS, CONGENITAL, AUTOSOMAL RECESSIVE 1, WITH OR WITHOUT BATHING SUIT DISTRIBUTION; ICHTHYOSIS CONGENITA; ICHTHYOSIS CONGENITA II. Identifiers: MedGen C4551630, MONDO:0009441, OMIM 242300.

Allele frequency attached by ClinVar (database versions not stated): TOPMed below 0.00001; gnomAD 0.00001.
gnomAD v4.1: 2 of 1,613,620 alleles (0.00012%); highest among the groups gnomAD compares: Non-Finnish European, 0.00017%; no homozygotes.

Submissions (2):

Myriad Genetics, Inc.
Classification: Likely pathogenic for Autosomal recessive congenital ichthyosis 1. Last evaluated: 2026-05-27. Review status: criteria provided, single submitter. Criteria: Myriad Autosomal Dominant, Autosomal Recessive and X-Linked Classification Criteria (2023). Collection method: clinical testing. Allele origin: unknown.
Comment: NM_000359.2(TGM1):c.1927+1G>A is a variant in a canonical splice site classified as likely pathogenic in the context of TGM1-related autosomal recessive congenital ichthyosis. c.1927+1G>A has been observed in a case with relevant disease (PMID: 27025581). Relevant functional assessments of this variant are not available in the literature. c.1927+1G>A has not been observed in referenced population frequency databases. In summary, NM_000359.2(TGM1):c.1927+1G>A is a variant in a canonical splice site that has been observed more frequently in cases with the relevant disease than in healthy populations. Please note: this variant was assessed in the context of healthy population screening.

Baylor Genetics
Classification: Pathogenic for Autosomal recessive congenital ichthyosis 1. Last evaluated: 2022-01-11. Review status: criteria provided, single submitter. Criteria: ACMG Guidelines, 2015. Collection method: clinical testing. Allele origin: unknown.

Literature cited by the submitters: PubMed 27025581 (cited by Myriad Genetics, Inc.).